The following is an entry in ClinVar:

NM_000517.6(HBA2):c.47del (p.Gly16fs)

Genes: HBA2 (hemoglobin subunit alpha 2; plus strand), LOC106804612 (hemoglobin subunit alpha 2 recombination region; plus strand). Cytogenetic location: 16p13.3.
Variant type: Deletion.
Coding change: c.47del on transcript NM_000517.6 (MANE Select); coding-DNA position 47, one base deleted (G; older notation c.47delG).
Protein change: p.Gly16fs; shifts the reading frame from glycine 16.
Molecular consequence: frameshift variant.
Genome position (GRCh38, 1-based): chr16:172,959, G deleted; the last of 4 consecutive G bases (chr16:172,956-172,959); deleting any one gives the same sequence. VCF-style (leftmost placement, unchanged base first): chr16-172955-TG-T. GRCh37 (hg19) VCF-style: chr16-222954-TG-T.
Other names: c.47del (NM_000517.5); short protein forms G16fs.
Identifiers: ClinVar variation 3579871 (VCV003579871.2).
Genomic context (GRCh38, chr16:172,955, plus strand): 5'-ACTCAGAGAGAACCCACCATGGTGCTGTCTCCTGCCGACAAGACCAACGTCAAGGCCGCC[TG>T]GGGTAAGGTCGGCGCGCACGCTGGCGAGTATGGTGCGGAGGCCCTGGAGAGGTGAGGCTC-3'

ClinVar aggregate classification (germline): Likely pathogenic. Review status: criteria provided, multiple submitters, no conflicts (2 of 4 stars). 2 submissions from 2 submitters: Likely pathogenic (2). Last evaluated 2024-11-10.

Conditions:
alpha Thalassemia. Also called: Alpha thalassemia spectrum. Identifiers: Orphanet 846, MedGen C0002312, MONDO:0011399, OMIM 604131.
Heinz body anemia. Also called: Heinz body hemolytic anemia. Identifiers: Orphanet 178330, MedGen C0700299, MONDO:0007705, OMIM 140700, HP:0005511.
Erythrocytosis, familial, 7. Also called: ERYTHROCYTOSIS, ALPHA-GLOBIN TYPE; POLYCYTHEMIA, ALPHA-GLOBIN TYPE; ERYTHROCYTOSIS 7. Identifiers: MedGen C4693823, MONDO:0054802, OMIM 617981.
Hemoglobin H disease (HBH). Also called: Hemoglobin H (HbH) Disease; ALPHA-THALASSEMIA, HEMOGLOBIN H TYPE; HEMOGLOBIN H DISEASE, DELETIONAL. Identifiers: Orphanet 93616, MedGen C3161174, MONDO:0013512, OMIM 613978. Disease mechanism: loss of function.

Submissions (2):

Natera, Inc.
Classification: Likely pathogenic for Alpha thalassemia. Last evaluated: 2024-11-10. Review status: criteria provided, single submitter. Criteria: Natera Variant Classification Schema (03/2026). Collection method: clinical testing. Allele origin: germline.
Comment: The c.47del variant in HBA2 is a frameshift variant predicted to shift the reading frame beginning at codon 16 and leads to a stop codon 34 codons downstream. This variant is expected to result in nonsense mediated decay, truncation, or a dysfunctional protein product. This variant is rare in the general population with a frequency below the threshold expected for the associated phenotype(s). Given the available evidence, this variant is classified as Likely Pathogenic.

Fulgent Genetics
Classification: Likely pathogenic for Heinz body anemia; alpha Thalassemia; Hemoglobin H disease; Erythrocytosis, familial, 7. Last evaluated: 2024-06-20. Review status: criteria provided, single submitter. Criteria: ACMG Guidelines, 2015. Collection method: clinical testing. Allele origin: germline.